The following is an entry in ClinVar:

NM_004461.3(FARSA):c.699G>A (p.Gln233=)

Gene: FARSA (phenylalanyl-tRNA synthetase subunit alpha; minus strand). Cytogenetic location: 19p13.13.
Variant type: single nucleotide variant.
Coding change: c.699G>A on transcript NM_004461.3 (MANE Select); coding-DNA position 699, G replaced by A.
Protein change: p.Gln233=; no amino-acid change (glutamine 233 retained).
Molecular consequence: synonymous variant.
Genome position (GRCh38, 1-based): chr19:12,928,561, C>T on the plus strand (G>A on the coding strand, the complement: FARSA is on the minus strand). VCF-style: chr19-12928561-C-T. GRCh37 (hg19) VCF-style: chr19-13039375-C-T.
Identifiers: ClinVar variation 3905156 (VCV003905156.10).

ClinVar aggregate classification (germline): Likely benign (1 of 4 stars; one submission).

Submission:

CeGaT Center for Human Genetics Tuebingen
Classification: Likely benign. Last evaluated: 2025-04-01. Review status: criteria provided, single submitter. Criteria: CeGaT Center For Human Genetics Tuebingen Variant Classification Criteria Version 2. Collection method: clinical testing. Allele origin: germline. Affected: yes. Observed: 1 variant allele.
Comment: FARSA: BP4, BP7